The following is an entry in ClinVar:

NM_004260.4(RECQL4):c.2006C>G (p.Pro669Arg)

Gene: RECQL4 (RecQ like helicase 4; minus strand). Cytogenetic location: 8q24.3.
Variant type: single nucleotide variant.
Coding change: c.2006C>G on transcript NM_004260.4 (MANE Select); coding-DNA position 2006, C replaced by G.
Protein change: p.Pro669Arg; replaces proline 669 with arginine.
Molecular consequence: missense variant.
Genome position (GRCh38, 1-based): chr8:144,513,980, G>C on the plus strand (C>G on the coding strand, the complement: RECQL4 is on the minus strand). VCF-style: chr8-144513980-G-C. GRCh37 (hg19) VCF-style: chr8-145739364-G-C.
Other names: c.1910C>G, p.Pro637Arg (NM_001413017.1, NM_001413020.1); c.2006C>G, p.Pro669Arg (NM_001413018.1, NM_001413019.1, NM_001413036.1); c.935C>G, p.Pro312Arg (NM_001413021.1, NM_001413022.1, NM_001413023.1 and 6 more transcripts); c.1877C>G, p.Pro626Arg (NM_001413025.1); c.869C>G, p.Pro290Arg (NM_001413027.1, NM_001413030.1, NM_001413032.1 and 1 more transcripts); c.1655C>G, p.Pro552Arg (NM_001413029.1); c.737C>G, p.Pro246Arg (NM_001413031.1); c.1874C>G, p.Pro625Arg (NM_001413033.1); and 4 more; short protein forms P180R, P268R, P637R, P312R, P552R, P290R, P625R, P626R.
Identifiers: ClinVar variation 2133382 (VCV002133382.4), dbSNP rs2538032024, ClinGen allele CA372680321.

ClinVar aggregate classification (germline): Uncertain significance (1 of 4 stars; one submission).

Conditions:
Baller-Gerold syndrome (BGS). Also called: CRANIOSYNOSTOSIS WITH RADIAL DEFECTS. Identifiers: Orphanet 1225, MedGen C0265308, MONDO:0009039, OMIM 218600.

Submission:

Labcorp Genetics (formerly Invitae), Labcorp
Classification: Uncertain significance for Baller-Gerold syndrome. Last evaluated: 2022-05-04. Review status: criteria provided, single submitter. Criteria: Invitae Variant Classification Sherloc (09022015). Collection method: clinical testing. Allele origin: germline.
Comment: In summary, the available evidence is currently insufficient to determine the role of this variant in disease. Therefore, it has been classified as a Variant of Uncertain Significance. Experimental studies and prediction algorithms are not available or were not evaluated, and the functional significance of this variant is currently unknown. This variant has not been reported in the literature in individuals affected with RECQL4-related conditions. This variant is not present in population databases (gnomAD no frequency). This sequence change replaces proline, which is neutral and non-polar, with arginine, which is basic and polar, at codon 669 of the RECQL4 protein (p.Pro669Arg).